The following is an entry in ClinVar:

NM_007347.5(AP4E1):c.1039T>C (p.Ser347Pro)

Gene: AP4E1 (adaptor related protein complex 4 subunit epsilon 1; plus strand). Cytogenetic location: 15q21.2.
Variant type: single nucleotide variant.
Coding change: c.1039T>C on transcript NM_007347.5 (MANE Select); coding-DNA position 1039, T replaced by C.
Protein change: p.Ser347Pro; replaces serine 347 with proline.
Molecular consequence: missense variant.
Genome position (GRCh38, 1-based): chr15:50,941,537, T>C. VCF-style: chr15-50941537-T-C. GRCh37 (hg19) VCF-style: chr15-51233734-T-C.
Other names: c.814T>C, p.Ser272Pro (NM_001252127.2); short protein forms S272P, S347P.
Identifiers: ClinVar variation 1961668 (VCV001961668.5), dbSNP rs2504741491, ClinGen allele CA392416758.

ClinVar aggregate classification (germline): Uncertain significance (1 of 4 stars; one submission).

Conditions:
Spastic paraplegia. Identifiers: MedGen C0037772, HP:0001258.

Allele frequency attached by ClinVar (database versions not stated): gnomAD exomes below 0.00001.
gnomAD v4.1: 2 of 1,613,074 alleles (0.00012%); highest among the groups gnomAD compares: Non-Finnish European, 0.000085%; no homozygotes.

Submission:

Labcorp Genetics (formerly Invitae), Labcorp
Classification: Uncertain significance for Spastic paraplegia. Last evaluated: 2022-08-02. Review status: criteria provided, single submitter. Criteria: Invitae Variant Classification Sherloc (09022015). Collection method: clinical testing. Allele origin: germline.
Comment: This sequence change replaces serine, which is neutral and polar, with proline, which is neutral and non-polar, at codon 347 of the AP4E1 protein (p.Ser347Pro). This variant is not present in population databases (gnomAD no frequency). This variant has not been reported in the literature in individuals affected with AP4E1-related conditions. Algorithms developed to predict the effect of missense changes on protein structure and function are either unavailable or do not agree on the potential impact of this missense change (SIFT: "Deleterious"; PolyPhen-2: "Probably Damaging"; Align-GVGD: "Class C0"). In summary, the available evidence is currently insufficient to determine the role of this variant in disease. Therefore, it has been classified as a Variant of Uncertain Significance.